The following is an entry in ClinVar:

ClinVar aggregate classification (germline): Uncertain significance. Review status: criteria provided, multiple submitters, no conflicts (2 of 4 stars). 2 submissions from 2 submitters: Uncertain significance (2). Last evaluated 2025-04-21.

Conditions:
Ataxia-telangiectasia syndrome (AT). Also called: ATAXIA-TELANGIECTASIA, FRESNO VARIANT; Ataxia-telangiectasia, complementation group D; AT, COMPLEMENTATION GROUP C; Ataxia-telangiectasia; Ataxia-telangiectasia, complementation group E; Ataxia telangiectasia (A-T). Identifiers: Orphanet 100, MedGen C0004135, MONDO:0008840, OMIM 208900.
Hereditary cancer-predisposing syndrome. Also called: Tumor predisposition; Neoplastic Syndromes, Hereditary; Hereditary Cancer Syndrome; Hereditary neoplastic syndrome. Identifiers: Orphanet 140162, MedGen C0027672, MeSH D009386, MONDO:0015356.

Allele frequency attached by ClinVar (database versions not stated): TOPMed below 0.00001.

Submissions (2):

Ambry Genetics
Classification: Uncertain significance for Hereditary cancer-predisposing syndrome. Last evaluated: 2025-04-21. Review status: criteria provided, single submitter. Criteria: Ambry Variant Classification Scheme 2023. Collection method: clinical testing. Allele origin: germline.
Comment: The p.L1861M variant (also known as c.5581C>A), located in coding exon 36 of the ATM gene, results from a C to A substitution at nucleotide position 5581. The leucine at codon 1861 is replaced by methionine, an amino acid with highly similar properties. This amino acid position is highly conserved in available vertebrate species. In addition, this alteration is predicted to be tolerated by in silico analysis. Based on the available evidence, the clinical significance of this variant remains unclear.

Labcorp Genetics (formerly Invitae), Labcorp
Classification: Uncertain significance for Ataxia-telangiectasia syndrome. Last evaluated: 2022-01-28. Review status: criteria provided, single submitter. Criteria: Invitae Variant Classification Sherloc (09022015). Collection method: clinical testing. Allele origin: germline.
Comment: This sequence change replaces leucine, which is neutral and non-polar, with methionine, which is neutral and non-polar, at codon 1861 of the ATM protein (p.Leu1861Met). This variant is not present in population databases (gnomAD no frequency). This variant has not been reported in the literature in individuals affected with ATM-related conditions. ClinVar contains an entry for this variant (Variation ID: 1062781). Advanced modeling of protein sequence and biophysical properties (such as structural, functional, and spatial information, amino acid conservation, physicochemical variation, residue mobility, and thermodynamic stability) performed at Invitae indicates that this missense variant is not expected to disrupt ATM protein function. In summary, the available evidence is currently insufficient to determine the role of this variant in disease. Therefore, it has been classified as a Variant of Uncertain Significance.

NM_000051.4(ATM):c.5581C>A (p.Leu1861Met)

Gene: ATM (ATM serine/threonine kinase; plus strand). Cytogenetic location: 11q22.3.
Variant type: single nucleotide variant.
Coding change: c.5581C>A on transcript NM_000051.4 (MANE Select); coding-DNA position 5581, C replaced by A.
Protein change: p.Leu1861Met; replaces leucine 1861 with methionine.
Molecular consequence: missense variant.
Genome position (GRCh38, 1-based): chr11:108,304,759, C>A. VCF-style: chr11-108304759-C-A. GRCh37 (hg19) VCF-style: chr11-108175486-C-A.
Other names: c.5581C>A (NM_000051.3); c.5581C>A, p.Leu1861Met (NM_001351834.2); short protein forms L1861M.
Identifiers: ClinVar variation 1062781 (VCV001062781.9), dbSNP rs1314298685, ClinGen allele CA382546133.